The following is an entry in ClinVar:

ClinVar aggregate classification (germline): Conflicting classifications of pathogenicity. Review status: criteria provided, conflicting classifications (1 of 4 stars). 2 submissions from 2 submitters: Uncertain significance (1); Likely benign (1). Last evaluated 2023-10-20.

Conditions:
Chédiak-Higashi syndrome (CHS). Also called: Chediak-Higashi Syndrome. Identifiers: Orphanet 167, MedGen C0007965, MONDO:0008963, OMIM 214500.

Allele frequency attached by ClinVar (database versions not stated): gnomAD exomes below 0.00001; TOPMed below 0.00001; gnomAD 0.00001.
gnomAD v4.1: 2 of 1,608,626 alleles (0.00012%); highest among the groups gnomAD compares: Non-Finnish European, 0.00017%; no homozygotes.

Submissions (2):

Labcorp Genetics (formerly Invitae), Labcorp
Classification: Likely benign for Chédiak-Higashi syndrome. Last evaluated: 2023-10-20. Review status: criteria provided, single submitter. Criteria: Invitae Variant Classification Sherloc (09022015). Collection method: clinical testing. Allele origin: germline.

Centre for Mendelian Genomics, University Medical Centre Ljubljana
Classification: Uncertain significance for Chédiak-Higashi syndrome. Last evaluated: 2019-08-07. Review status: criteria provided, single submitter. Criteria: ACMG Guidelines, 2015. Collection method: clinical testing. Allele origin: unknown. Affected: yes.
Comment: This variant was classified as: Uncertain significance. The available evidence on this variant's pathogenicity is insufficient or conflicting. The following ACMG criteria were applied in classifying this variant: PM2,BP4.

NM_000081.4(LYST):c.11038+11T>C

Gene: LYST (lysosomal trafficking regulator; minus strand). Cytogenetic location: 1q42.3.
Variant type: single nucleotide variant.
Coding change: c.11038+11T>C on transcript NM_000081.4 (MANE Select); 11 bases into the intron after coding-DNA position 11038, T replaced by C.
Molecular consequence: intron variant.
Genome position (GRCh38, 1-based): chr1:235,677,080, A>G on the plus strand (T>C on the coding strand, the complement: LYST is on the minus strand). VCF-style: chr1-235677080-A-G. GRCh37 (hg19) VCF-style: chr1-235840380-A-G.
Other names: c.11038+11T>C (NM_001301365.1).
Identifiers: ClinVar variation 931634 (VCV000931634.6), dbSNP rs1659440744, ClinGen allele CA1013587458.
Genomic context (GRCh38, chr1:235,677,080, plus strand): 5'-GGAGTAACCACTGGCCGAATGCGCTGTTAGAGCACCAGCCAGCCCTGTGCTTTGGGTTGG[A>G]GCAAGCTCACCTGAATCACACACAGTAGCAATATCACCTGAGGTTTCACTGGCAGAGACA-3'